The following is an entry in ClinVar:

NM_000065.5(C6):c.1906C>G (p.Pro636Ala)

Gene: C6 (complement C6; minus strand). Cytogenetic location: 5p13.1.
Variant type: single nucleotide variant.
Coding change: c.1906C>G on transcript NM_000065.5 (MANE Select); coding-DNA position 1906, C replaced by G.
Protein change: p.Pro636Ala; replaces proline 636 with alanine.
Molecular consequence: missense variant.
Genome position (GRCh38, 1-based): chr5:41,158,736, G>C on the plus strand (C>G on the coding strand, the complement: C6 is on the minus strand). VCF-style: chr5-41158736-G-C. GRCh37 (hg19) VCF-style: chr5-41158838-G-C.
Other names: c.1906C>G, p.Pro636Ala (NM_001115131.4); short protein forms P636A.
Identifiers: ClinVar variation 1385393 (VCV001385393.6), dbSNP rs186960114, ClinGen allele CA3252280.

ClinVar aggregate classification (germline): Uncertain significance. Review status: criteria provided, multiple submitters, no conflicts (2 of 4 stars). 2 submissions from 2 submitters: Uncertain significance (2). Last evaluated 2024-11-13.

Allele frequency attached by ClinVar (database versions not stated): ESP Exome Variant Server 0.00008; ExAC 0.00012; gnomAD exomes 0.00012; 1000 Genomes Project 0.00120; 1000 Genomes Project 30x 0.00141.
gnomAD v4.1: 301 of 1,611,222 alleles (0.019%); highest among the groups gnomAD compares: Admixed American, 0.09%; 2 homozygotes.

Submissions (2):

Blueprint Genetics
Classification: Uncertain significance. Last evaluated: 2024-11-13. Review status: criteria provided, single submitter. Criteria: ACMG Guidelines, 2015. Collection method: clinical testing. Allele origin: germline.

Labcorp Genetics (formerly Invitae), Labcorp
Classification: Uncertain significance. Last evaluated: 2022-07-12. Review status: criteria provided, single submitter. Criteria: Invitae Variant Classification Sherloc (09022015). Collection method: clinical testing. Allele origin: germline.
Comment: This sequence change replaces proline, which is neutral and non-polar, with alanine, which is neutral and non-polar, at codon 636 of the C6 protein (p.Pro636Ala). This variant is present in population databases (rs186960114, gnomAD 0.03%). This variant has not been reported in the literature in individuals affected with C6-related conditions. ClinVar contains an entry for this variant (Variation ID: 1385393). Algorithms developed to predict the effect of missense changes on protein structure and function output the following: SIFT: "Tolerated"; PolyPhen-2: "Benign"; Align-GVGD: "Class C0". The alanine amino acid residue is found in multiple mammalian species, which suggests that this missense change does not adversely affect protein function. In summary, the available evidence is currently insufficient to determine the role of this variant in disease. Therefore, it has been classified as a Variant of Uncertain Significance.